The following is an entry in ClinVar:

NM_178537.5(B4GALNT4):c.2571C>T (p.Ser857=)

Gene: B4GALNT4 (beta-1,4-N-acetyl-galactosaminyltransferase 4; plus strand). Cytogenetic location: 11p15.5.
Variant type: single nucleotide variant.
Coding change: c.2571C>T on transcript NM_178537.5 (MANE Select); coding-DNA position 2571, C replaced by T.
Protein change: p.Ser857=; no amino-acid change (serine 857 retained).
Molecular consequence: synonymous variant.
Genome position (GRCh38, 1-based): chr11:379,948, C>T. VCF-style: chr11-379948-C-T. GRCh37 (hg19) VCF-style: chr11-379948-C-T.
Identifiers: ClinVar variation 2641041 (VCV002641041.24), dbSNP rs142922840, ClinGen allele CA5775060.

ClinVar aggregate classification (germline): Likely benign (1 of 4 stars; one submission).

Allele frequency attached by ClinVar (database versions not stated): 1000 Genomes Project 0.00120; 1000 Genomes Project 30x 0.00125; TOPMed 0.00206; ESP Exome Variant Server 0.00208; gnomAD 0.00208.
gnomAD v4.1: 4,227 of 1,612,298 alleles (0.26%); highest among the groups gnomAD compares: Middle Eastern, 0.69%; 21 homozygotes.

Submission:

CeGaT Center for Human Genetics Tuebingen
Classification: Likely benign. Last evaluated: 2023-07-01. Review status: criteria provided, single submitter. Criteria: CeGaT Center For Human Genetics Tuebingen Variant Classification Criteria Version 2. Collection method: clinical testing. Allele origin: germline. Affected: yes. Observed: 2 variant alleles.
Comment: B4GALNT4: BP4, BP7, BS2